The following is an entry in ClinVar:

NM_001077525.3(MTMR14):c.1300A>G (p.Lys434Glu)

Gene: MTMR14 (myotubularin related protein 14; plus strand). Cytogenetic location: 3p25.3.
Variant type: single nucleotide variant.
Coding change: c.1300A>G on transcript NM_001077525.3 (MANE Select); coding-DNA position 1300, A replaced by G.
Protein change: p.Lys434Glu; replaces lysine 434 with glutamic acid.
Molecular consequence: missense variant.
Genome position (GRCh38, 1-based): chr3:9,688,949, A>G. VCF-style: chr3-9688949-A-G. GRCh37 (hg19) VCF-style: chr3-9730633-A-G.
Other names: c.1300A>G, p.Lys434Glu (NM_001077526.3, NM_022485.5); short protein forms K434E.
Identifiers: ClinVar variation 1407341 (VCV001407341.7), dbSNP rs2125316125, ClinGen allele CA351698123.

ClinVar aggregate classification (germline): Uncertain significance. Review status: criteria provided, multiple submitters, no conflicts (2 of 4 stars). 2 submissions from 2 submitters: Uncertain significance (2). Last evaluated 2026-08-06.

Conditions:
Autosomal dominant centronuclear myopathy. Also called: MYOTUBULAR MYOPATHY, AUTOSOMAL DOMINANT; Myopathy, centronuclear, 3. Identifiers: Orphanet 169189, MedGen C4551952, MeSH D020914, MONDO:0008048, OMIM 160150.

Allele frequency attached by ClinVar (database versions not stated): gnomAD exomes below 0.00001.
gnomAD v4.1: 1 of 1,614,022 alleles (0.000062%); highest among the groups gnomAD compares: Non-Finnish European, 0.000085%; no homozygotes.

Submissions (2):

OLLIN Analises Genomicas, OLLIN
Classification: Uncertain significance for Autosomal dominant centronuclear myopathy. Last evaluated: 2026-08-06. Review status: criteria provided, single submitter. Criteria: ACMG Guidelines 2015 PMID 25741868. Collection method: clinical testing. Allele origin: germline.
Comment: This missense variant, located in exon 16 (of 19), has been reported in ClinVar (accession VCV001407341.6) and in gnomAD with an allele frequency of 0.000062%. However, to our knowledge, it has not been reported in the scientific literature. In silico analysis is inconclusive regarding the impact of this variant. According to the currently available evidence, this variant has been classified as uncertain significance (PM2_P).

Labcorp Genetics (formerly Invitae), Labcorp
Classification: Uncertain significance. Last evaluated: 2022-08-16. Review status: criteria provided, single submitter. Criteria: Invitae Variant Classification Sherloc (09022015). Collection method: clinical testing. Allele origin: germline.
Comment: Algorithms developed to predict the effect of missense changes on protein structure and function (SIFT, PolyPhen-2, Align-GVGD) all suggest that this variant is likely to be tolerated. This sequence change replaces lysine, which is basic and polar, with glutamic acid, which is acidic and polar, at codon 434 of the MTMR14 protein (p.Lys434Glu). This variant is not present in population databases (gnomAD no frequency). This variant has not been reported in the literature in individuals affected with MTMR14-related conditions. ClinVar contains an entry for this variant (Variation ID: 1407341). In summary, the available evidence is currently insufficient to determine the role of this variant in disease. Therefore, it has been classified as a Variant of Uncertain Significance.